The following is an entry in ClinVar:

ClinVar aggregate classification (germline): Likely pathogenic. Review status: criteria provided, multiple submitters, no conflicts (2 of 4 stars). 2 submissions from 2 submitters: Likely pathogenic (2). Last evaluated 2025-12-30.

Conditions:
Osteogenesis imperfecta type I (OI1). Also called: Classic Non-deforming Osteogenesis Imperfecta with Blue Sclerae; Lobstein disease; OI, TYPE I; OSTEOGENESIS IMPERFECTA TARDA; OSTEOGENESIS IMPERFECTA WITH BLUE SCLERAE; Osteogenesis imperfecta type 1. Identifiers: Orphanet 216796, Orphanet 666, MedGen C0023931, MONDO:0008146, OMIM 166200. Disease mechanism: loss of function.

Submissions (2):

Kasturba Medical College, Manipal, Kasturba Medical College, Manipal, Manipal Academy of Higher Education, Manipal, India
Classification: Likely pathogenic for Osteogenesis imperfecta type I. Last evaluated: 2025-12-30. Review status: criteria provided, single submitter. Criteria: ACMG Guidelines, 2015. Collection method: research. Allele origin: de novo. Inheritance: Autosomal dominant inheritance. Affected: yes.
Comment: The variant is absent in heterozygous and/or homozygous state in gnomAD (v4.1.0) and in our in-house database of 3851 exomes. In-silico analysis tools (CADD_phred, and REVEL) predict the variant as disease-causing and likely to affect the COL1A1 protein function.

Revvity Omics, Revvity
Classification: Likely pathogenic. Last evaluated: 2023-09-11. Review status: criteria provided, single submitter. Criteria: ACMG Guidelines, 2015. Collection method: clinical testing. Allele origin: germline.

Literature cited by the submitters: PubMed 27509835 (cited by Kasturba Medical College, Manipal, Kasturba Medical College, Manipal, Manipal Academy of Higher Education, Manipal, India).

NM_000088.4(COL1A1):c.4364G>T (p.Gly1455Val)

Gene: COL1A1 (collagen type I alpha 1 chain; minus strand). Cytogenetic location: 17q21.33.
Variant type: single nucleotide variant.
Coding change: c.4364G>T on transcript NM_000088.4 (MANE Select); coding-DNA position 4364, G replaced by T.
Protein change: p.Gly1455Val; replaces glycine 1455 with valine.
Molecular consequence: missense variant.
Genome position (GRCh38, 1-based): chr17:50,185,533, C>A on the plus strand (G>T on the coding strand, the complement: COL1A1 is on the minus strand). VCF-style: chr17-50185533-C-A. GRCh37 (hg19) VCF-style: chr17-48262894-C-A.
Other names: short protein forms G1455V.
Identifiers: ClinVar variation 4081260 (VCV004081260.2).